The following is an entry in ClinVar:

ClinVar aggregate classification (germline): Uncertain significance (1 of 4 stars; one submission).

Submission:

GeneDx
Classification: Uncertain significance. Last evaluated: 2015-03-11. Review status: criteria provided, single submitter. Criteria: GeneDx Variant Classification (06012015). Collection method: clinical testing. Allele origin: germline. Affected: yes.
Comment: The Y13908X variant of unknown significance in the TTN gene has not been reported previously as a pathogenic variant or as a benign polymorphism, to our knowledge. Y13908X is predicted to cause loss of normal protein function either due to production of an abnormal, prematurely truncated protein, or by absence of protein product due to nonsense mediated mRNA decay. Furthermore, Y13908X was not observed in approximately 6,000 individuals of European and African American ancestry in the NHLBI Exome Sequencing Project, indicating it is not a common benign variant in these populations. However, other truncating TTN variants have been reported in approximately 3% of control alleles (Herman et al., 2012). Y13908X is not located in the A-band region of titin, where the majority of truncating mutations associated with DCM have been reported (Herman et al., 2012).Therefore, based on the currently available information, it is unclear whether this variant is a pathogenic variant or a rare benign variant

NM_001267550.2(TTN):c.46647C>G (p.Tyr15549Ter)

Genes: TTN (titin; minus strand), TTN-AS1 (TTN antisense RNA 1; plus strand). Cytogenetic location: 2q31.2.
Variant type: single nucleotide variant.
Coding change: c.46647C>G on transcript NM_001267550.2 (MANE Select); coding-DNA position 46647, C replaced by G.
Protein change: p.Tyr15549Ter; replaces tyrosine 15549 with a stop codon.
Molecular consequence: nonsense.
Genome position (GRCh38, 1-based): chr2:178,619,670, G>C on the plus strand (C>G on the coding strand, the complement: TTN is on the minus strand). VCF-style: chr2-178619670-G-C. GRCh37 (hg19) VCF-style: chr2-179484397-G-C.
Other names: c.41724C>G, p.Tyr13908Ter (NM_001256850.1); c.19452C>G, p.Tyr6484Ter (NM_003319.4); c.38943C>G, p.Tyr12981Ter (NM_133378.4); c.19827C>G, p.Tyr6609Ter (NM_133432.3); c.20028C>G, p.Tyr6676Ter (NM_133437.4); short protein forms Y13908*, Y15549*, Y6609*, Y6484*, Y6676*, Y12981*.
Identifiers: ClinVar variation 503653 (VCV000503653.1), dbSNP rs1553713779, ClinGen allele CA349622928.